The following is an entry in ClinVar:

NM_000426.4(LAMA2):c.58dup (p.Val20fs)

Gene: LAMA2 (laminin subunit alpha 2; plus strand). Cytogenetic location: 6q22.33.
Variant type: Duplication.
Coding change: c.58dup on transcript NM_000426.4 (MANE Select); coding-DNA position 58, one base duplicated (G; older notation c.58dupG).
Protein change: p.Val20fs; shifts the reading frame from valine 20.
Molecular consequence: frameshift variant.
Genome position (GRCh38, 1-based): chr6:128,883,303, G duplicated. VCF-style (leftmost placement, unchanged base first): chr6-128883302-C-CG. GRCh37 (hg19) VCF-style: chr6-129204447-C-CG.
Other names: c.58dup, p.Val20fs (NM_001079823.2); short protein forms V20fs.
Identifiers: ClinVar variation 2091496 (VCV002091496.4), dbSNP rs2482367090, ClinGen allele CA2580074881.
Genomic context (GRCh38, chr6:128,883,302, plus strand): 5'-TACGATGCCGGGAGCCGCCGGGGTCCTCCTCCTTCTGCTGCTCTCCGGAGGCCTCGGGGG[C>CG]GTACAGGCGCAGCGGCCGCAGCAGCAGCGGCAGTCACAGGCACATCAGCAAAGAGGTACA-3'

ClinVar aggregate classification (germline): Pathogenic (1 of 4 stars; one submission).

Conditions:
LAMA2-related muscular dystrophy (LAMA2-RD). Also called: Laminin alpha 2-related dystrophy. Identifiers: MedGen C5679788, MONDO:0100228.

Submission:

Labcorp Genetics (formerly Invitae), Labcorp
Classification: Pathogenic for LAMA2-related muscular dystrophy. Last evaluated: 2022-02-01. Review status: criteria provided, single submitter. Criteria: Invitae Variant Classification Sherloc (09022015). Collection method: clinical testing. Allele origin: germline.
Comment: For these reasons, this variant has been classified as Pathogenic. Algorithms developed to predict the effect of sequence changes on RNA splicing suggest that this variant may create or strengthen a splice site. This variant has not been reported in the literature in individuals affected with LAMA2-related conditions. This variant is not present in population databases (gnomAD no frequency). This sequence change creates a premature translational stop signal (p.Val20Glyfs*30) in the LAMA2 gene. It is expected to result in an absent or disrupted protein product. Loss-of-function variants in LAMA2 are known to be pathogenic (PMID: 18700894, 32904964).

Literature cited by the submitters: PubMed 18700894; PubMed 32904964.